The following is an entry in ClinVar:

ClinVar aggregate classification (germline): Pathogenic (1 of 4 stars; one submission).

Conditions:
Neurofibromatosis, type 1 (NF1). Also called: Peripheral type neurofibromatosis; VON RECKLINGHAUSEN DISEASE; Neurofibromatosis, type I; NEUROFIBROMATOSIS, TYPE I, SOMATIC. Identifiers: Orphanet 636, MedGen C0027831, MONDO:0018975, OMIM 162200. Disease mechanism: loss of function.

Submission:

Labcorp Genetics (formerly Invitae), Labcorp
Classification: Pathogenic for Neurofibromatosis, type 1. Last evaluated: 2024-03-27. Review status: criteria provided, single submitter. Criteria: Invitae Variant Classification Sherloc (09022015). Collection method: clinical testing. Allele origin: germline.
Comment: This sequence change creates a premature translational stop signal (p.Glu2172Glyfs*7) in the NF1 gene. It is expected to result in an absent or disrupted protein product. Loss-of-function variants in NF1 are known to be pathogenic (PMID: 10712197, 23913538). This variant is not present in population databases (gnomAD no frequency). This variant has not been reported in the literature in individuals affected with NF1-related conditions. For these reasons, this variant has been classified as Pathogenic.

Literature cited by the submitters: PubMed 10712197; PubMed 23913538.

NM_001042492.3(NF1):c.6578del (p.Glu2193fs)

Gene: NF1 (neurofibromin 1; plus strand). Cytogenetic location: 17q11.2.
Variant type: Deletion.
Coding change: c.6578del on transcript NM_001042492.3 (MANE Select); coding-DNA position 6578, one base deleted (A; older notation c.6578delA).
Protein change: p.Glu2193fs; shifts the reading frame from glutamic acid 2193.
Molecular consequence: frameshift variant.
Genome position (GRCh38, 1-based): chr17:31,337,518, A deleted. VCF-style (leftmost placement, unchanged base first): chr17-31337517-GA-G. GRCh37 (hg19) VCF-style: chr17-29664535-GA-G.
Other names: c.6515delA, p.Glu2172Glyfs (NM_000267.4); short protein forms E2172fs, E2193fs.
Identifiers: ClinVar variation 3647915 (VCV003647915.2).